The following is an entry in ClinVar:

ClinVar aggregate classification (germline): Uncertain significance (1 of 4 stars; one submission).

Conditions:
Early-infantile DEE. Also called: Ohtahara syndrome; Early infantile epileptic encephalopathy with suppression bursts; Early infantile epileptic encephalopathy. Identifiers: Orphanet 1934, MedGen C0393706, MONDO:0800491.

Submission:

Labcorp Genetics (formerly Invitae), Labcorp
Classification: Uncertain significance for Early-infantile DEE. Last evaluated: 2024-04-03. Review status: criteria provided, single submitter. Criteria: Invitae Variant Classification Sherloc (09022015). Collection method: clinical testing. Allele origin: germline.
Comment: This sequence change falls in intron 20 of the SCN1A gene. It does not directly change the encoded amino acid sequence of the SCN1A protein. However, this sequence change falls within a region encompassing a cryptic exon in the SCN1A gene, in which variants have been shown to alter splicing (PMID: 30526861, 34107977). This variant is not present in population databases (gnomAD no frequency). This variant has not been reported in the literature in individuals affected with SCN1A-related conditions. Algorithms developed to predict the effect of sequence changes on RNA splicing suggest that this variant is not likely to affect RNA splicing. In summary, the available evidence is currently insufficient to determine the role of this variant in disease. Therefore, it has been classified as a Variant of Uncertain Significance.

Literature cited by the submitters: PubMed 30526861; PubMed 34107977.

NM_001165963.4(SCN1A):c.4002+2231A>G

Genes: SCN1A (sodium voltage-gated channel alpha subunit 1; minus strand), LOC102724058 (uncharacterized LOC102724058; plus strand). Cytogenetic location: 2q24.3.
Variant type: single nucleotide variant.
Coding change: c.4002+2231A>G on transcript NM_001165963.4 (MANE Select); 2231 bases into the intron after coding-DNA position 4002, A replaced by G.
Molecular consequence: intron variant.
Genome position (GRCh38, 1-based): chr2:166,007,488, T>C on the plus strand (A>G on the coding strand, the complement: SCN1A is on the minus strand). VCF-style: chr2-166007488-T-C. GRCh37 (hg19) VCF-style: chr2-166863998-T-C.
Other names: c.3969+2231A>G (NM_001353949.2, NM_001353950.2, NM_001353951.2 and 2 more transcripts); c.3918+2231A>G (NM_001353958.2, NM_001353957.2, NM_001165964.3); c.4002+2231A>G (NM_001202435.3, NM_001353948.2); c.3966+2231A>G (NM_001353955.2, NM_001353954.2); c.3915+2231A>G (NM_001353960.2); c.1560+2231A>G (NM_001353961.2).
Identifiers: ClinVar variation 3679267 (VCV003679267.2).